The following is an entry in ClinVar:

ClinVar aggregate classification (germline): Uncertain significance. Review status: criteria provided, multiple submitters, no conflicts (2 of 4 stars). 2 submissions from 2 submitters: Uncertain significance (2). Last evaluated 2025-01-22.

Conditions:
Early-infantile DEE. Also called: Ohtahara syndrome; Early infantile epileptic encephalopathy; Early infantile epileptic encephalopathy with suppression bursts. Identifiers: Orphanet 1934, MedGen C0393706, MONDO:0800491.

Submissions (2):

GeneDx
Classification: Uncertain significance. Last evaluated: 2025-01-22. Review status: criteria provided, single submitter. Criteria: GeneDx Variant Classification Process June 2021. Collection method: clinical testing. Allele origin: germline. Affected: yes.
Comment: Not observed at significant frequency in large population cohorts (gnomAD); Nonsense variant predicted to result in protein truncation or nonsense mediated decay in a gene for which loss-of-function is not an established mechanism of disease; Has not been previously published as pathogenic or benign to our knowledge

Labcorp Genetics (formerly Invitae), Labcorp
Classification: Uncertain significance for Early-infantile DEE. Last evaluated: 2024-01-01. Review status: criteria provided, single submitter. Criteria: Invitae Variant Classification Sherloc (09022015). Collection method: clinical testing. Allele origin: germline.
Comment: This sequence change creates a premature translational stop signal (p.Tyr98*) in the KCNH5 gene. It is expected to result in an absent or disrupted protein product. However, the current clinical and genetic evidence is not sufficient to establish whether loss-of-function variants in KCNH5 cause disease. This variant is not present in population databases (gnomAD no frequency). This variant has not been reported in the literature in individuals affected with KCNH5-related conditions. ClinVar contains an entry for this variant (Variation ID: 2000294). In summary, the available evidence is currently insufficient to determine the role of this variant in disease. Therefore, it has been classified as a Variant of Uncertain Significance.

NM_139318.5(KCNH5):c.294C>G (p.Tyr98Ter)

Gene: KCNH5 (potassium voltage-gated channel subfamily H member 5; minus strand). Cytogenetic location: 14q23.2.
Variant type: single nucleotide variant.
Coding change: c.294C>G on transcript NM_139318.5 (MANE Select); coding-DNA position 294, C replaced by G.
Protein change: p.Tyr98Ter; replaces tyrosine 98 with a stop codon.
Molecular consequence: nonsense.
Genome position (GRCh38, 1-based): chr14:63,006,376, G>C on the plus strand (C>G on the coding strand, the complement: KCNH5 is on the minus strand). VCF-style: chr14-63006376-G-C. GRCh37 (hg19) VCF-style: chr14-63473094-G-C.
Other names: c.294C>G, p.Tyr98Ter (NM_172375.3); c.294C>G (NM_139318.4); short protein forms Y98*.
Identifiers: ClinVar variation 2000294 (VCV002000294.5), dbSNP rs1891125928, ClinGen allele CA390106011.